The following is an entry in ClinVar:

ClinVar aggregate classification (germline): Uncertain significance (1 of 4 stars; one submission).

Allele frequency attached by ClinVar (database versions not stated): gnomAD exomes below 0.00001.

Submission:

Labcorp Genetics (formerly Invitae), Labcorp
Classification: Uncertain significance. Last evaluated: 2024-02-08. Review status: criteria provided, single submitter. Criteria: Invitae Variant Classification Sherloc (09022015). Collection method: clinical testing. Allele origin: germline.
Comment: This sequence change replaces glutamic acid, which is acidic and polar, with glutamine, which is neutral and polar, at codon 1715 of the TUBGCP6 protein (p.Glu1715Gln). This variant is present in population databases (no rsID available, gnomAD 0.006%). This variant has not been reported in the literature in individuals affected with TUBGCP6-related conditions. ClinVar contains an entry for this variant (Variation ID: 1504106). An algorithm developed to predict the effect of missense changes on protein structure and function (PolyPhen-2) suggests that this variant is likely to be disruptive. In summary, the available evidence is currently insufficient to determine the role of this variant in disease. Therefore, it has been classified as a Variant of Uncertain Significance.

NM_020461.4(TUBGCP6):c.5143G>C (p.Glu1715Gln)

Gene: TUBGCP6 (tubulin gamma complex component 6; minus strand). Cytogenetic location: 22q13.33.
Variant type: single nucleotide variant.
Coding change: c.5143G>C on transcript NM_020461.4 (MANE Select); coding-DNA position 5143, G replaced by C.
Protein change: p.Glu1715Gln; replaces glutamic acid 1715 with glutamine.
Molecular consequence: missense variant.
Genome position (GRCh38, 1-based): chr22:50,218,214, C>G on the plus strand (G>C on the coding strand, the complement: TUBGCP6 is on the minus strand). VCF-style: chr22-50218214-C-G. GRCh37 (hg19) VCF-style: chr22-50656643-C-G.
Other names: short protein forms E1715Q.
Identifiers: ClinVar variation 1504106 (VCV001504106.8), dbSNP rs1471809866, ClinGen allele CA412163953.